The following is an entry in ClinVar:

ClinVar aggregate classification (germline): Conflicting classifications of pathogenicity. Review status: criteria provided, conflicting classifications (1 of 4 stars). 4 submissions from 4 submitters: Uncertain significance (1); Benign (2); Likely benign (1). Last evaluated 2025-03-19.

Conditions:
Telangiectasia, hereditary hemorrhagic, type 1 (HHT1). Also called: Osler Weber Rendu syndrome type 1; ENG-Related Hereditary Hemorrhagic Telangiectasia. Identifiers: Orphanet 774, MedGen C4551861, MONDO:0008535, OMIM 187300. Disease mechanism: loss of function.
Hereditary hemorrhagic telangiectasia (HHT). Also called: ORW DISEASE; Osler Weber Rendu syndrome; OSLER-RENDU-WEBER DISEASE; Osler hemorrhagic telangiectasia syndrome. Identifiers: Orphanet 774, MedGen C0039445, MONDO:0019180. Disease mechanism: loss of function.

Allele frequency attached by ClinVar (database versions not stated): TOPMed 0.00002; 1000 Genomes Project 30x 0.00312; 1000 Genomes Project 0.00379.
gnomAD v4.1: 891 of 1,167,066 alleles (0.076%); highest among the groups gnomAD compares: South Asian, 1.3%; 17 homozygotes.

Submissions (4):

Mayo Clinic Laboratories, Mayo Clinic
Classification: Benign. Last evaluated: 2025-03-19. Review status: criteria provided, single submitter. Criteria: ACMG Guidelines, 2015. Collection method: clinical testing. Allele origin: germline. Observed: 2 variant alleles.
Comment: BS1, BS2

Blueprint Genetics
Classification: Likely benign. Last evaluated: 2024-09-30. Review status: criteria provided, single submitter. Criteria: ACMG Guidelines, 2015. Collection method: clinical testing. Allele origin: germline.

Labcorp Genetics (formerly Invitae), Labcorp
Classification: Uncertain significance for Hereditary hemorrhagic telangiectasia. Last evaluated: 2024-01-29. Review status: criteria provided, single submitter. Criteria: Invitae Variant Classification Sherloc (09022015). Collection method: clinical testing. Allele origin: germline.
Comment: This variant occurs in a non-coding region of the ENG gene. It does not change the encoded amino acid sequence of the ENG protein. This variant is present in population databases (rs546892762, gnomAD 0.01%). This variant has not been reported in the literature in individuals affected with ENG-related conditions. ClinVar contains an entry for this variant (Variation ID: 365100). Experimental studies and prediction algorithms are not available or were not evaluated, and the functional significance of this variant is currently unknown. In summary, the available evidence is currently insufficient to determine the role of this variant in disease. Therefore, it has been classified as a Variant of Uncertain Significance.

Illumina Laboratory Services, Illumina
Classification: Benign for Telangiectasia, hereditary hemorrhagic, type 1. Last evaluated: 2018-01-13. Review status: criteria provided, single submitter. Criteria: ICSL Variant Classification Criteria 13 December 2019. Collection method: clinical testing. Allele origin: germline.
Comment: This variant was observed in the ICSL laboratory as part of a predisposition screen in an ostensibly healthy population. It had not been previously curated by ICSL or reported in the Human Gene Mutation Database (HGMD: prior to June 1st, 2018), and was therefore a candidate for classification through an automated scoring system. Utilizing variant allele frequency, disease prevalence and penetrance estimates, and inheritance mode, an automated score was calculated to assess if this variant is too frequent to cause the disease. Based on the score and internal cut-off values, a variant classified as benign is not then subjected to further curation. The score for this variant resulted in a classification of benign for this disease.

NM_001114753.3(ENG):c.-115G>C

Gene: ENG (endoglin; minus strand). Cytogenetic location: 9q34.11.
Variant type: single nucleotide variant.
Coding change: c.-115G>C on transcript NM_001114753.3 (MANE Select); 115 bases upstream of the start codon, G replaced by C.
Molecular consequence: 5 prime UTR variant.
Genome position (GRCh38, 1-based): chr9:127,854,470, C>G on the plus strand (G>C on the coding strand, the complement: ENG is on the minus strand). VCF-style: chr9-127854470-C-G. GRCh37 (hg19) VCF-style: chr9-130616749-C-G.
Other names: c.-115G>C (NM_000118.4, NM_001406715.1).
Identifiers: ClinVar variation 365100 (VCV000365100.11), dbSNP rs546892762, ClinGen allele CA10632669.